The following is an entry in ClinVar:

NM_001253852.3(AP4B1):c.-66C>G

Genes: AP4B1 (adaptor related protein complex 4 subunit beta 1; minus strand), DCLRE1B (DNA cross-link repair 1B; plus strand), LOC129931235 (ATAC-STARR-seq lymphoblastoid active region 1540; plus strand). Cytogenetic location: 1p13.2.
Variant type: single nucleotide variant.
Coding change: c.-66C>G on transcript NM_001253852.3 (MANE Select); 66 bases upstream of the start codon, C replaced by G.
Molecular consequence: 5 prime UTR variant. On other transcripts: intron variant (1).
Genome position (GRCh38, 1-based): chr1:113,904,783, G>C on the plus strand (C>G on the coding strand, the complement: AP4B1 is on the minus strand). VCF-style: chr1-113904783-G-C. GRCh37 (hg19) VCF-style: chr1-114447405-G-C.
Other names: c.-66C>G (NM_001438376.1, NM_001438377.1, NM_001438378.1 and 7 more transcripts); c.-331+75G>C (NM_001319947.2); c.-235C>G (NM_001253853.3).
Identifiers: ClinVar variation 388217 (VCV000388217.3), dbSNP rs1040891781, ClinGen allele CA16603374.
Genomic context (GRCh38, chr1:113,904,783, plus strand): 5'-TAAGAGTCACAGGGCAGCTCCCACAGCTCCCACGGTAACTCGAGGGCTCCTTCTCGTCCT[G>C]ATGTGGGAGCCTGAGTAAAGGAAATATGAGTCAGTGAAAATACAAAAGGCGAGATCTCGC-3'

ClinVar aggregate classification (germline): Likely benign (1 of 4 stars; one submission).

Allele frequency attached by ClinVar (database versions not stated): gnomAD exomes 0.00001; TOPMed 0.00014; gnomAD 0.00011.
gnomAD v4.1: 30 of 1,313,372 alleles (0.0023%); highest among the groups gnomAD compares: African/African-American, 0.035%; no homozygotes.

Submission:

GeneDx
Classification: Likely benign. Last evaluated: 2016-08-03. Review status: criteria provided, single submitter. Criteria: GeneDx Variant Classification (06012015). Collection method: clinical testing. Allele origin: germline. Affected: yes.
Comment: This variant is considered likely benign or benign based on one or more of the following criteria: it is a conservative change, it occurs at a poorly conserved position in the protein, it is predicted to be benign by multiple in silico algorithms, and/or has population frequency not consistent with disease.